The following is an entry in ClinVar:

NM_198834.3(ACACA):c.5689C>T (p.Arg1897Trp)

Gene: ACACA (acetyl-CoA carboxylase alpha; minus strand). Cytogenetic location: 17q12.
Variant type: single nucleotide variant.
Coding change: c.5689C>T on transcript NM_198834.3 (MANE Select); coding-DNA position 5689, C replaced by T.
Protein change: p.Arg1897Trp; replaces arginine 1897 with tryptophan.
Molecular consequence: missense variant.
Genome position (GRCh38, 1-based): chr17:37,130,209, G>A on the plus strand (C>T on the coding strand, the complement: ACACA is on the minus strand). VCF-style: chr17-37130209-G-A. GRCh37 (hg19) VCF-style: chr17-35487135-G-A.
Other names: c.5344C>T, p.Arg1782Trp (NM_198838.2); c.5578C>T, p.Arg1860Trp (NM_198839.3, NM_198836.3); c.5404C>T, p.Arg1802Trp (NM_198837.2); short protein forms R1860W, R1897W, R1782W, R1802W.
Identifiers: ClinVar variation 3704477 (VCV003704477.2).

ClinVar aggregate classification (germline): Uncertain significance (1 of 4 stars; one submission).

Submission:

Labcorp Genetics (formerly Invitae), Labcorp
Classification: Uncertain significance. Last evaluated: 2025-08-06. Review status: criteria provided, single submitter. Criteria: Invitae Variant Classification Sherloc (09022015). Collection method: clinical testing. Allele origin: germline.
Comment: This sequence change replaces arginine, which is basic and polar, with tryptophan, which is neutral and slightly polar, at codon 1860 of the ACACA protein (p.Arg1860Trp). This variant is present in population databases (rs755418013, gnomAD 0.0009%). This missense change has been observed in individual(s) with autism (PMID: 29346770). ClinVar contains an entry for this variant (Variation ID: 3704477). An algorithm developed to predict the effect of missense changes on protein structure and function (PolyPhen-2) suggests that this variant is likely to be disruptive. In summary, the available evidence is currently insufficient to determine the role of this variant in disease. Therefore, it has been classified as a Variant of Uncertain Significance.

Literature cited by the submitters: PubMed 29346770.